The following is an entry in ClinVar:

ClinVar aggregate classification (germline): Likely benign (1 of 4 stars; one submission).

Submission:

CeGaT Center for Human Genetics Tuebingen
Classification: Likely benign. Last evaluated: 2024-12-01. Review status: criteria provided, single submitter. Criteria: CeGaT Center For Human Genetics Tuebingen Variant Classification Criteria Version 2. Collection method: clinical testing. Allele origin: germline. Affected: yes. Observed: 1 variant allele.
Comment: SMARCAD1: BP4, BS1

NM_020159.5(SMARCAD1):c.154G>A (p.Ala52Thr)

Gene: SMARCAD1 (SNF2 related chromatin remodeling ATPase with DExD box 1; plus strand). Cytogenetic location: 4q22.3.
Variant type: single nucleotide variant.
Coding change: c.154G>A on transcript NM_020159.5 (MANE Select); coding-DNA position 154, G replaced by A.
Protein change: p.Ala52Thr; replaces alanine 52 with threonine.
Molecular consequence: missense variant. On other transcripts: non-coding transcript variant (17).
Genome position (GRCh38, 1-based): chr4:94,208,548, G>A. VCF-style: chr4-94208548-G-A. GRCh37 (hg19) VCF-style: chr4-95129699-G-A.
Other names: c.154G>A, p.Ala52Thr (NM_001128429.3, NM_001128430.2, NM_001375855.1 and 3 more transcripts); short protein forms A52T.
Identifiers: ClinVar variation 3771225 (VCV003771225.13).
Genomic context (GRCh38, chr4:94,208,548, plus strand): 5'-CCTTCTTCACCAATTTCTCTTAGTGCTGAAGAGGAGAATGCTGAAGGGGAAGTTAGCAGG[G>A]CAAACACTCCTGATTCAGATATAACTGAAAAAACAGGTGAGTTACAATGTTAAAATTGAT-3'
Protein context (NP_064544.2, residues 42-62): EENAEGEVSR[Ala52Thr]NTPDSDITEK